The following is an entry in ClinVar:

NM_178013.4(PRIMA1):c.33_34inv (p.Cys12Gly)

Gene: PRIMA1 (proline rich membrane anchor 1; minus strand). Cytogenetic location: 14q32.12.
Variant type: Inversion.
Coding change: c.33_34inv on transcript NM_178013.4 (MANE Select).
Protein change: p.Cys12Gly; replaces cysteine 12 with glycine.
Molecular consequence: missense variant.
Genome position: GRCh38 VCF-style: chr14-93787685-AG-CT. GRCh37 (hg19) VCF-style: chr14-94254031-AG-CT.
Other names: short protein forms C12G.
Identifiers: ClinVar variation 1500995 (VCV001500995.6), ClinGen allele CA2573150287.
Genomic context (GRCh38, chr14:93,787,685, plus strand): 5'-CCTGCACGAAGCCCCAGAGCGGGTGGAGCGCGCAGTGCAGCAGCAGCGAGGACCAGCAGC[AG>CT]CCACGGCGCAGCACCAAGTCCCGGAGGAGCATCTCGGCCAGCGGCGCCCGCTCCTGGGGC-3'
Protein context (NP_821092.1, residues 2-22): LLRDLVLRRG[Cys12Gly]CWSSLLLHCA

ClinVar aggregate classification (germline): Uncertain significance (1 of 4 stars; one submission).

Conditions:
Familial sleep-related hypermotor epilepsy. Also called: Autosomal Dominant Sleep-Related Hypermotor (Hyperkinetic) Epilepsy. Identifiers: Orphanet 98784, MedGen C3696898, MONDO:0000030.

Submission:

Labcorp Genetics (formerly Invitae), Labcorp
Classification: Uncertain significance for Familial sleep-related hypermotor epilepsy. Last evaluated: 2022-06-27. Review status: criteria provided, single submitter. Criteria: Invitae Variant Classification Sherloc (09022015). Collection method: clinical testing. Allele origin: germline.
Comment: In summary, the available evidence is currently insufficient to determine the role of this variant in disease. Therefore, it has been classified as a Variant of Uncertain Significance. Experimental studies and prediction algorithms are not available or were not evaluated, and the functional significance of this variant is currently unknown. This variant has not been reported in the literature in individuals affected with PRIMA1-related conditions. Information on the frequency of this variant in the gnomAD database is not available, as this variant may be reported differently in the database. This sequence change replaces cysteine, which is neutral and slightly polar, with glycine, which is neutral and non-polar, at codon 12 of the PRIMA1 protein (p.Cys12Gly).